The following is an entry in ClinVar:

NM_007186.6(CEP250):c.4969G>A (p.Asp1657Asn)

Gene: CEP250 (centrosomal protein 250; plus strand). Cytogenetic location: 20q11.22.
Variant type: single nucleotide variant.
Coding change: c.4969G>A on transcript NM_007186.6 (MANE Select); coding-DNA position 4969, G replaced by A.
Protein change: p.Asp1657Asn; replaces aspartic acid 1657 with asparagine.
Molecular consequence: missense variant.
Genome position (GRCh38, 1-based): chr20:35,503,338, G>A. VCF-style: chr20-35503338-G-A. GRCh37 (hg19) VCF-style: chr20-34091166-G-A.
Other names: c.3073G>A, p.Asp1025Asn (NM_001318219.1); short protein forms D1657N, D1025N.
Identifiers: ClinVar variation 1505924 (VCV001505924.3), dbSNP rs368334375, ClinGen allele CA9833796.

ClinVar aggregate classification (germline): Uncertain significance (1 of 4 stars; one submission).

Allele frequency attached by ClinVar (database versions not stated): gnomAD exomes 0.00001; ExAC 0.00002; TOPMed 0.00004; ESP Exome Variant Server 0.00008.
gnomAD v4.1: 13 of 1,614,040 alleles (0.00081%); highest among the groups gnomAD compares: Non-Finnish European, 0.0011%; no homozygotes.

Submission:

Labcorp Genetics (formerly Invitae), Labcorp
Classification: Uncertain significance. Last evaluated: 2021-10-20. Review status: criteria provided, single submitter. Criteria: Invitae Variant Classification Sherloc (09022015). Collection method: clinical testing. Allele origin: germline.
Comment: This sequence change replaces aspartic acid with asparagine at codon 1657 of the CEP250 protein (p.Asp1657Asn). The aspartic acid residue is weakly conserved and there is a small physicochemical difference between aspartic acid and asparagine. This variant is present in population databases (rs368334375, ExAC 0.005%). This variant has not been reported in the literature in individuals affected with CEP250-related conditions. Algorithms developed to predict the effect of missense changes on protein structure and function output the following: SIFT: "Not Available"; PolyPhen-2: "Benign"; Align-GVGD: "Not Available". The asparagine amino acid residue is found in multiple mammalian species, which suggests that this missense change does not adversely affect protein function. In summary, the available evidence is currently insufficient to determine the role of this variant in disease. Therefore, it has been classified as a Variant of Uncertain Significance.